The following is an entry in ClinVar:

ClinVar aggregate classification (germline): Uncertain significance (1 of 4 stars; one submission).

Submission:

Labcorp Genetics (formerly Invitae), Labcorp
Classification: Uncertain significance. Last evaluated: 2022-02-14. Review status: criteria provided, single submitter. Criteria: Invitae Variant Classification Sherloc (09022015). Collection method: clinical testing. Allele origin: germline.
Comment: Advanced modeling of protein sequence and biophysical properties (such as structural, functional, and spatial information, amino acid conservation, physicochemical variation, residue mobility, and thermodynamic stability) performed at Invitae indicates that this missense variant is not expected to disrupt PNPT1 protein function. This variant has not been reported in the literature in individuals affected with PNPT1-related conditions. This variant is not present in population databases (gnomAD no frequency). This sequence change replaces valine, which is neutral and non-polar, with alanine, which is neutral and non-polar, at codon 342 of the PNPT1 protein (p.Val342Ala). In summary, the available evidence is currently insufficient to determine the role of this variant in disease. Therefore, it has been classified as a Variant of Uncertain Significance.

NM_033109.5(PNPT1):c.1025T>C (p.Val342Ala)

Gene: PNPT1 (polyribonucleotide nucleotidyltransferase 1; minus strand). Cytogenetic location: 2p16.1.
Variant type: single nucleotide variant.
Coding change: c.1025T>C on transcript NM_033109.5 (MANE Select); coding-DNA position 1025, T replaced by C.
Protein change: p.Val342Ala; replaces valine 342 with alanine.
Molecular consequence: missense variant.
Genome position (GRCh38, 1-based): chr2:55,667,910, A>G on the plus strand (T>C on the coding strand, the complement: PNPT1 is on the minus strand). VCF-style: chr2-55667910-A-G. GRCh37 (hg19) VCF-style: chr2-55895045-A-G.
Other names: short protein forms V342A.
Identifiers: ClinVar variation 2097533 (VCV002097533.4), dbSNP rs2529560519, ClinGen allele CA346929249.